The following is an entry in ClinVar:

ClinVar aggregate classification (germline): Benign/Likely benign. Review status: criteria provided, multiple submitters, no conflicts (2 of 4 stars). 4 submissions from 4 submitters: Benign (1); Likely benign (3). Last evaluated 2026-06-03.

Conditions:
CENPE-related disorder. Also called: CENPE-related condition.

Submissions (4):

Women's Health and Genetics/Laboratory Corporation of America, LabCorp
Classification: Likely benign. Last evaluated: 2026-06-03. Review status: criteria provided, single submitter. Criteria: LabCorp Variant Classification Summary - May 2015. Collection method: clinical testing. Allele origin: germline.
Comment: Variant summary: CENPE c.149-6_149-4delGTT alters a nucleotide located at a position not widely known to affect splicing. Consensus agreement among computation tools predict no significant impact on normal splicing. However, these predictions have yet to be confirmed by functional studies. The variant allele was found at a frequency of 0.00061 in 240924 control chromosomes. This frequency is not significantly higher than estimated for disease-causing variants in CENPE, allowing no conclusion about variant significance. c.149-6_149-4delGTT has been reported in two individuals from a large cohort of patients with neurodevelopmental disorders (Turner_2019). This report does not provide unequivocal conclusions about association of the variant with disease. To our knowledge, no experimental evidence demonstrating an impact on protein function has been reported. The following publication has been ascertained in the context of this evaluation (PMID: 31785789). ClinVar contains an entry for this variant (Variation ID: 717207). Based on the evidence outlined above, the variant was classified as likely benign.

Blueprint Genetics
Classification: Likely benign. Last evaluated: 2024-11-22. Review status: criteria provided, single submitter. Criteria: ACMG Guidelines, 2015. Collection method: clinical testing. Allele origin: germline.

PreventionGenetics, part of Exact Sciences
Classification: Likely benign for CENPE-related condition. Last evaluated: 2024-11-18. Review status: criteria provided, single submitter. Criteria: ACMG Guidelines, 2015. Collection method: clinical testing. Allele origin: germline.
Comment: This variant is classified as likely benign based on ACMG/AMP sequence variant interpretation guidelines (Richards et al. 2015 PMID: 25741868, with internal and published modifications).

Labcorp Genetics (formerly Invitae), Labcorp
Classification: Benign. Last evaluated: 2018-08-20. Review status: criteria provided, single submitter. Criteria: Invitae Variant Classification Sherloc (09022015). Collection method: clinical testing. Allele origin: germline.

Literature cited by the submitters: PubMed 31785789 (cited by Women's Health and Genetics/Laboratory Corporation of America, LabCorp).

NM_001813.3(CENPE):c.149-27GTT[7]

Gene: CENPE (centromere protein E; minus strand). Cytogenetic location: 4q24.
Variant type: Microsatellite.
Coding change: c.149-27GTT[7] on transcript NM_001813.3 (MANE Select); seven copies in a row of the 3-base unit GTT starting at c.149-27; the reference has eight copies in a row; one copy, 3 bases deleted.
Molecular consequence: intron variant.
Genome position (GRCh38, 1-based): chr4:103,196,256-103,196,258, AAC deleted on the plus strand (GTT on the coding strand, the reverse complement: CENPE is on the minus strand); deleting any 3 consecutive bases within chr4:103,196,256-103,196,280 gives the same sequence; the position shown is the placement nearest the transcript's 3' end. VCF-style (leftmost placement, unchanged base first): chr4-103196255-AAAC-A. GRCh37 (hg19) VCF-style: chr4-104117412-AAAC-A.
Other names: c.149-27GTT[7] (NM_001286734.2); c.149-6_149-4delGTT (NM_001813.3).
Identifiers: ClinVar variation 717207 (VCV000717207.6), dbSNP rs3217729, ClinGen allele CA3030827.